The following is an entry in ClinVar:

ClinVar aggregate classification (germline): Pathogenic (1 of 4 stars; one submission).

Conditions:
Polycystic kidney disease, adult type (PKD1). Also called: Polycystic Kidney Disease 1, Autosomal Dominant; Polycystic kidney disease 1; Polycystic kidney disease 1, severe; Polycystic Kidney, Autosomal Dominant; POLYCYSTIC KIDNEY DISEASE 1 WITH OR WITHOUT POLYCYSTIC LIVER DISEASE; POLYCYSTIC KIDNEY DISEASE, ADULT, TYPE I. Identifiers: MedGen C3149841, MONDO:0008263, OMIM 173900.

Submission:

Victorian Clinical Genetics Services, Murdoch Childrens Research Institute
Classification: Pathogenic for Polycystic kidney disease, adult type. Last evaluated: 2024-10-10. Review status: criteria provided, single submitter. Criteria: ACMG Guidelines, 2015. Collection method: clinical testing. Allele origin: germline. Inheritance: Autosomal dominant inheritance. Affected: yes.
Comment: Based on the classification scheme VCGS_Germline_v1.3.5, this variant is classified as Pathogenic. Following criteria are met: 0102 - Loss of function is a known mechanism of disease in this gene and is associated with polycystic kidney disease 1 (MIM#173900). (I) 0107 - This gene is associated with autosomal dominant disease. Polycystic kidney disease 1 (MIM#173900) is predominantly caused by monoallelic variants, with rare reports of biallelic variants causing disease (OMIM). (I) 0201 - Variant is predicted to cause nonsense-mediated decay (NMD) and loss of protein (premature termination codon is located at least 54 nucleotides upstream of the final exon-exon junction). (SP) 0251 - This variant is heterozygous. (I) 0301 - Variant is absent from gnomAD (v2, v3 and v4). (SP) 0701 - Other NMD-predicted variants comparable to the one identified in this case have very strong previous evidence for pathogenicity (ClinVar). (SP) 0802 - This variant has moderate previous evidence of pathogenicity in unrelated individuals. Another nucleotide substitution which results in the same protein change, c.6795C>A; p.(Tyr2265*), has been reported in multiple individuals with autosomal dominant polycystic kidney disease (PMID: 17574468, 18077784). (SP) 1208 - Inheritance information for this variant is not currently available in this individual. (I) Legend: (SP) - Supporting pathogenic, (I) - Information, (SB) - Supporting benign

Literature cited by the submitters: PubMed 17574468; PubMed 18077784.

NM_001009944.3(PKD1):c.6795C>G (p.Tyr2265Ter)

Gene: PKD1 (polycystin 1, transient receptor potential channel interacting; minus strand). Cytogenetic location: 16p13.3.
Variant type: single nucleotide variant.
Coding change: c.6795C>G on transcript NM_001009944.3 (MANE Select); coding-DNA position 6795, C replaced by G.
Protein change: p.Tyr2265Ter; replaces tyrosine 2265 with a stop codon.
Molecular consequence: nonsense.
Genome position (GRCh38, 1-based): chr16:2,108,372, G>C on the plus strand (C>G on the coding strand, the complement: PKD1 is on the minus strand). VCF-style: chr16-2108372-G-C. GRCh37 (hg19) VCF-style: chr16-2158373-G-C.
Other names: c.6795C>G, p.Tyr2265Ter (NM_000296.4); short protein forms Y2265*.
Identifiers: ClinVar variation 1699499 (VCV001699499.4), dbSNP rs1312494071, ClinGen allele CA394372873.